The following is an entry in ClinVar:

NM_016213.5(TRIP4):c.779del (p.Glu260fs)

Gene: TRIP4 (thyroid hormone receptor interactor 4; plus strand). Cytogenetic location: 15q22.31.
Variant type: Deletion.
Coding change: c.779del on transcript NM_016213.5 (MANE Select); coding-DNA position 779, one base deleted (A; older notation c.779delA).
Protein change: p.Glu260fs; shifts the reading frame from glutamic acid 260.
Molecular consequence: frameshift variant. On other transcripts: non-coding transcript variant (1).
Genome position (GRCh38, 1-based): chr15:64,406,411, A deleted. VCF-style (leftmost placement, unchanged base first): chr15-64406410-GA-G. GRCh37 (hg19) VCF-style: chr15-64698609-GA-G.
Other names: c.89del, p.Glu30fs (NM_001321924.2); c.779delA (NM_016213.4); short protein forms E30fs, E260fs.
Identifiers: ClinVar variation 818010 (VCV000818010.5), dbSNP rs1596341256, ClinGen allele CA915946029.

ClinVar aggregate classification (germline): Pathogenic (1 of 4 stars; one submission).

Submission:

GeneDx
Classification: Pathogenic. Last evaluated: 2025-09-23. Review status: criteria provided, single submitter. Criteria: GeneDx Variant Classification Process June 2021. Collection method: clinical testing. Allele origin: germline. Affected: yes.
Comment: Frameshift variant predicted to result in protein truncation or nonsense mediated decay in a gene for which loss-of-function is a known mechanism of disease; Not observed at significant frequency in large population cohorts (gnomAD); Has not been previously published as pathogenic or benign to our knowledge